The following is an entry in ClinVar:

ClinVar aggregate classification (germline): Uncertain significance (1 of 4 stars; one submission).

Conditions:
Charcot-Marie-Tooth disease axonal type 2Z. Also called: CHARCOT-MARIE-TOOTH DISEASE, AXONAL, AUTOSOMAL DOMINANT, TYPE 2Z; CHARCOT-MARIE-TOOTH NEUROPATHY, TYPE 2Z. Identifiers: Orphanet 466768, MedGen C5569025, MONDO:0014736, OMIM 616688.

gnomAD v4.1: 2 of 1,614,160 alleles (0.00012%); highest among the groups gnomAD compares: African/African-American, 0.0013%; no homozygotes.

Submission:

Labcorp Genetics (formerly Invitae), Labcorp
Classification: Uncertain significance for Charcot-Marie-Tooth disease axonal type 2Z. Last evaluated: 2025-01-08. Review status: criteria provided, single submitter. Criteria: Invitae Variant Classification Sherloc (09022015). Collection method: clinical testing. Allele origin: germline.
Comment: This sequence change replaces proline, which is neutral and non-polar, with alanine, which is neutral and non-polar, at codon 726 of the MORC2 protein (p.Pro726Ala). This variant is not present in population databases (gnomAD no frequency). This variant has not been reported in the literature in individuals affected with MORC2-related conditions. ClinVar contains an entry for this variant (Variation ID: 854241). Invitae Evidence Modeling of protein sequence and biophysical properties (such as structural, functional, and spatial information, amino acid conservation, physicochemical variation, residue mobility, and thermodynamic stability) indicates that this missense variant is not expected to disrupt MORC2 protein function with a negative predictive value of 95%. In summary, the available evidence is currently insufficient to determine the role of this variant in disease. Therefore, it has been classified as a Variant of Uncertain Significance.

NM_001303256.3(MORC2):c.2176C>G (p.Pro726Ala)

Gene: MORC2 (MORC family CW-type zinc finger 2; minus strand). Cytogenetic location: 22q12.2.
Variant type: single nucleotide variant.
Coding change: c.2176C>G on transcript NM_001303256.3 (MANE Select); coding-DNA position 2176, C replaced by G.
Protein change: p.Pro726Ala; replaces proline 726 with alanine.
Molecular consequence: missense variant.
Genome position (GRCh38, 1-based): chr22:30,934,798, G>C on the plus strand (C>G on the coding strand, the complement: MORC2 is on the minus strand). VCF-style: chr22-30934798-G-C. GRCh37 (hg19) VCF-style: chr22-31330785-G-C.
Other names: c.2176C>G, p.Pro726Ala (NM_001303257.2); c.1990C>G, p.Pro664Ala (NM_014941.3); short protein forms P664A, P726A.
Identifiers: ClinVar variation 854241 (VCV000854241.8), dbSNP rs2040627406, ClinGen allele CA411234453.